The following is an entry in ClinVar:

NM_000238.4(KCNH2):c.3007dup (p.Asp1003fs)

Gene: KCNH2 (potassium voltage-gated channel subfamily H member 2; minus strand). Cytogenetic location: 7q36.1.
Variant type: Duplication.
Coding change: c.3007dup on transcript NM_000238.4 (MANE Select); coding-DNA position 3007, one base duplicated (G; older notation c.3007dupG).
Protein change: p.Asp1003fs; shifts the reading frame from aspartic acid 1003.
Molecular consequence: frameshift variant.
Genome position (GRCh38, 1-based): chr7:150,947,473, C duplicated on the plus strand (G on the coding strand, the reverse complement: KCNH2 is on the minus strand); the first of 6 consecutive C bases (chr7:150,947,473-150,947,478); duplicating any one gives the same sequence. VCF-style (leftmost placement, unchanged base first): chr7-150947472-T-TC. GRCh37 (hg19) VCF-style: chr7-150644560-T-TC.
Other names: c.1987dup, p.Asp663fs (NM_172057.3); short protein forms D663fs, D1003fs.
Identifiers: ClinVar variation 864600 (VCV000864600.9), dbSNP rs1800946921, ClinGen allele CA916080376.

ClinVar aggregate classification (germline): Pathogenic (1 of 4 stars; one submission).

Conditions:
Long QT syndrome (LQTS). Identifiers: MedGen C0023976, MeSH D008133, MONDO:0002442. Disease mechanism: loss of function. Inheritance: Various modes of inheritance.

Submission:

Labcorp Genetics (formerly Invitae), Labcorp
Classification: Pathogenic for Long QT syndrome. Last evaluated: 2022-07-25. Review status: criteria provided, single submitter. Criteria: Invitae Variant Classification Sherloc (09022015). Collection method: clinical testing. Allele origin: germline.
Comment: This variant disrupts a region of the KCNH2 protein in which other variant(s) (p.Glu1119*) have been determined to be pathogenic (PMID: 27920829). This suggests that this is a clinically significant region of the protein, and that variants that disrupt it are likely to be disease-causing. For these reasons, this variant has been classified as Pathogenic. ClinVar contains an entry for this variant (Variation ID: 864600). This premature translational stop signal has been observed in individual(s) with KCNH2-related disease (PMID: 26688388). This variant is not present in population databases (gnomAD no frequency). This sequence change creates a premature translational stop signal (p.Asp1003Glyfs*116) in the KCNH2 gene. While this is not anticipated to result in nonsense mediated decay, it is expected to disrupt the last 157 amino acid(s) of the KCNH2 protein.

Literature cited by the submitters: PubMed 27920829; PubMed 26688388.